The following is an entry in ClinVar:

NM_000493.4(COL10A1):c.193C>T (p.Pro65Ser)

Genes: COL10A1 (collagen type X alpha 1 chain; minus strand), NT5DC1 (5'-nucleotidase domain containing 1; plus strand). Cytogenetic location: 6q22.1.
Variant type: single nucleotide variant.
Coding change: c.193C>T on transcript NM_000493.4 (MANE Select); coding-DNA position 193, C replaced by T.
Protein change: p.Pro65Ser; replaces proline 65 with serine.
Molecular consequence: missense variant. On other transcripts: intron variant (1).
Genome position (GRCh38, 1-based): chr6:116,121,923, G>A on the plus strand (C>T on the coding strand, the complement: COL10A1 is on the minus strand). VCF-style: chr6-116121923-G-A. GRCh37 (hg19) VCF-style: chr6-116443086-G-A.
Other names: c.193C>T, p.Pro65Ser (NM_001424106.1, NM_001424107.1); c.529+3978G>A (NM_152729.3); short protein forms P65S.
Identifiers: ClinVar variation 1403677 (VCV001403677.8), dbSNP rs1228331045, ClinGen allele CA365397082.

ClinVar aggregate classification (germline): Uncertain significance (1 of 4 stars; one submission).

Allele frequency attached by ClinVar (database versions not stated): TOPMed below 0.00001.

Submission:

Labcorp Genetics (formerly Invitae), Labcorp
Classification: Uncertain significance. Last evaluated: 2021-06-30. Review status: criteria provided, single submitter. Criteria: Invitae Variant Classification Sherloc (09022015). Collection method: clinical testing. Allele origin: germline.
Comment: In summary, the available evidence is currently insufficient to determine the role of this variant in disease. Therefore, it has been classified as a Variant of Uncertain Significance. Algorithms developed to predict the effect of missense changes on protein structure and function are either unavailable or do not agree on the potential impact of this missense change (SIFT: "Deleterious"; PolyPhen-2: "Not Available"; Align-GVGD: "Class C0"). This variant has not been reported in the literature in individuals affected with COL10A1-related conditions. This variant is not present in population databases (ExAC no frequency). This sequence change replaces proline with serine at codon 65 of the COL10A1 protein (p.Pro65Ser). The proline residue is moderately conserved and there is a moderate physicochemical difference between proline and serine.